The following is an entry in ClinVar:

NM_002691.4(POLD1):c.740A>G (p.Asn247Ser)

Gene: POLD1 (DNA polymerase delta 1, catalytic subunit; plus strand). Cytogenetic location: 19q13.33.
Variant type: single nucleotide variant.
Coding change: c.740A>G on transcript NM_002691.4 (MANE Select); coding-DNA position 740, A replaced by G.
Protein change: p.Asn247Ser; replaces asparagine 247 with serine.
Molecular consequence: missense variant. On other transcripts: non-coding transcript variant (1).
Genome position (GRCh38, 1-based): chr19:50,402,355, A>G. VCF-style: chr19-50402355-A-G. GRCh37 (hg19) VCF-style: chr19-50905612-A-G.
Other names: c.740A>G, p.Asn247Ser (NM_001256849.1, NM_001308632.1); short protein forms N247S.
Identifiers: ClinVar variation 1042209 (VCV001042209.12), dbSNP rs1292667374, ClinGen allele CA406974598.
Genomic context (GRCh38, chr19:50,402,355, plus strand): 5'-TGGAACAGGGCATCCGTGTGGCAGGCCTGGGCACGCCCAGCTTCGCGCCCTACGAGGCCA[A>G]CGTCGACTTTGAGATCCGGTACGGCCTCTGCCTCACTTCTCCGGCCTCTATCCCCACCCT-3'
Protein context (NP_002682.2, residues 237-257): GTPSFAPYEA[Asn247Ser]VDFEIRFMVD

ClinVar aggregate classification (germline): Conflicting classifications of pathogenicity. Review status: criteria provided, conflicting classifications (1 of 4 stars). 2 submissions from 2 submitters: Uncertain significance (1); Likely benign (1). Last evaluated 2025-05-22.

Conditions:
Hereditary cancer-predisposing syndrome. Also called: Tumor predisposition; Hereditary Cancer Syndrome; Hereditary neoplastic syndrome; Neoplastic Syndromes, Hereditary. Identifiers: Orphanet 140162, MedGen C0027672, MeSH D009386, MONDO:0015356.
POLD1-related polyposis and colorectal cancer syndrome (CRCS10). Also called: Colorectal cancer 10; COLORECTAL CANCER, SUSCEPTIBILITY TO, ON CHROMOSOME 19q; Colorectal cancer, susceptibility to, 10. Identifiers: Orphanet 220460, MedGen C2675481, MONDO:0012953, OMIM 612591.

Allele frequency attached by ClinVar (database versions not stated): gnomAD exomes below 0.00001.
gnomAD v4.1: 2 of 1,611,240 alleles (0.00012%); highest among the groups gnomAD compares: Non-Finnish European, 0.00017%; no homozygotes.

Submissions (2):

Labcorp Genetics (formerly Invitae), Labcorp
Classification: Uncertain significance for POLD1-related polyposis and colorectal cancer syndrome. Last evaluated: 2025-05-22. Review status: criteria provided, single submitter. Criteria: Invitae Variant Classification Sherloc (09022015). Collection method: clinical testing. Allele origin: germline.
Comment: This sequence change replaces asparagine, which is neutral and polar, with serine, which is neutral and polar, at codon 247 of the POLD1 protein (p.Asn247Ser). This variant is not present in population databases (gnomAD no frequency). This variant has not been reported in the literature in individuals affected with POLD1-related conditions. ClinVar contains an entry for this variant (Variation ID: 1042209). Invitae Evidence Modeling of protein sequence and biophysical properties (such as structural, functional, and spatial information, amino acid conservation, physicochemical variation, residue mobility, and thermodynamic stability) indicates that this missense variant is not expected to disrupt POLD1 protein function with a negative predictive value of 80%. In summary, the available evidence is currently insufficient to determine the role of this variant in disease. Therefore, it has been classified as a Variant of Uncertain Significance.

Ambry Genetics
Classification: Likely benign for Hereditary cancer-predisposing syndrome. Last evaluated: 2024-12-17. Review status: criteria provided, single submitter. Criteria: Ambry Variant Classification Scheme 2023. Collection method: clinical testing. Allele origin: germline.